The following is an entry in ClinVar:

NM_000719.7(CACNA1C):c.5841A>G (p.Ser1947=)

Genes: CACNA1C (calcium voltage-gated channel subunit alpha1 C; plus strand), CACNA1C-AS1 (CACNA1C antisense RNA 1; minus strand). Cytogenetic location: 12p13.33.
Variant type: single nucleotide variant.
Coding change: c.5841A>G on transcript NM_000719.7 (MANE Select); coding-DNA position 5841, A replaced by G.
Protein change: p.Ser1947=; no amino-acid change (serine 1947 retained).
Molecular consequence: synonymous variant.
Genome position (GRCh38, 1-based): chr12:2,688,503, A>G. VCF-style: chr12-2688503-A-G. GRCh37 (hg19) VCF-style: chr12-2797669-A-G.
Other names: c.5985A>G, p.Ser1995= (NM_001129827.2); c.5964A>G, p.Ser1988= (NM_001129829.2); c.5946A>G, p.Ser1982= (NM_001129830.3, NM_001167624.3); c.5925A>G, p.Ser1975= (NM_001129831.2); c.5901A>G, p.Ser1967= (NM_001129832.2); c.5898A>G, p.Ser1966= (NM_001129833.2, NM_001129834.2, NM_001129835.2); c.5892A>G, p.Ser1964= (NM_001129836.2); c.5865A>G, p.Ser1955= (NM_001129837.2, NM_001129838.2); and 6 more.
Identifiers: ClinVar variation 416874 (VCV000416874.14), dbSNP rs1056550014, ClinGen allele CA16613990.

ClinVar aggregate classification (germline): Likely benign. Review status: criteria provided, multiple submitters, no conflicts (2 of 4 stars). 3 submissions from 3 submitters: Likely benign (3). Last evaluated 2026-06-30.

Conditions:
Cardiovascular phenotype. Identifiers: MedGen CN230736.
CACNA1C-related disorder. Also called: CACNA1C-related disorders; CACNA1C-related condition. Identifiers: MedGen CN381092, MONDO:0700321.
Long QT syndrome (LQTS). Identifiers: MedGen C0023976, MeSH D008133, MONDO:0002442. Disease mechanism: loss of function. Inheritance: Various modes of inheritance.

Allele frequency attached by ClinVar (database versions not stated): TOPMed 0.00001; gnomAD exomes 0.00001 and 0.00008; gnomAD 0.00001.
gnomAD v4.1: 110 of 1,613,728 alleles (0.0068%); highest among the groups gnomAD compares: Non-Finnish European, 0.0093%; no homozygotes.

Submissions (3):

PreventionGenetics, part of Exact Sciences
Classification: Likely benign for CACNA1C-related condition. Last evaluated: 2026-06-30. Review status: criteria provided, single submitter. Criteria: ACMG Guidelines, 2015. Collection method: clinical testing. Allele origin: germline.
Comment: This variant is classified as likely benign based on ACMG/AMP sequence variant interpretation guidelines (Richards et al. 2015 PMID: 25741868, with internal and published modifications).

Labcorp Genetics (formerly Invitae), Labcorp
Classification: Likely benign for Long QT syndrome. Last evaluated: 2025-06-01. Review status: criteria provided, single submitter. Criteria: Invitae Variant Classification Sherloc (09022015). Collection method: clinical testing. Allele origin: germline.

Ambry Genetics
Classification: Likely benign for Cardiovascular phenotype. Last evaluated: 2023-04-30. Review status: criteria provided, single submitter. Criteria: Ambry Variant Classification Scheme 2023. Collection method: clinical testing. Allele origin: germline.